The following is an entry in ClinVar:

NM_000186.4(CFH):c.1673G>A (p.Trp558Ter)

Gene: CFH (complement factor H; plus strand). Cytogenetic location: 1q31.3.
Variant type: single nucleotide variant.
Coding change: c.1673G>A on transcript NM_000186.4 (MANE Select); coding-DNA position 1673, G replaced by A.
Protein change: p.Trp558Ter; replaces tryptophan 558 with a stop codon.
Molecular consequence: nonsense.
Genome position (GRCh38, 1-based): chr1:196,715,746, G>A. VCF-style: chr1-196715746-G-A. GRCh37 (hg19) VCF-style: chr1-196684876-G-A.
Other names: p.Trp558*; short protein forms W558*.
Identifiers: ClinVar variation 3381091 (VCV003381091.2).

ClinVar aggregate classification (germline): Likely pathogenic. Review status: criteria provided, multiple submitters, no conflicts (2 of 4 stars). 2 submissions from 2 submitters: Likely pathogenic (2). Last evaluated 2024-05-31.

Conditions:
Basal laminar drusen. Also called: DRUSEN OF BRUCH MEMBRANE; DRUSEN, CUTICULAR; DRUSEN, EARLY ADULT-ONSET, GROUPED. Identifiers: Orphanet 75376, MedGen C0730295, MONDO:0007472, OMIM 126700.
Hemolytic uremic syndrome, atypical, susceptibility to, 1. Also called: AHUS, SUSCEPTIBILITY TO, 1. Identifiers: Orphanet 2134, Orphanet 90038, MedGen C2749604, MONDO:0009335, OMIM 235400. Disease mechanism: Other.
Age related macular degeneration 4. Identifiers: MedGen C1853147, MONDO:0012540, OMIM 610698.
Factor H deficiency (CFHD). Also called: COMPLEMENT FACTOR H DEFICIENCY; CFH DEFICIENCY. Identifiers: Orphanet 200421, MedGen C0398777, MONDO:0012350, OMIM 609814.

Submissions (2):

Mayo Clinic Laboratories, Mayo Clinic
Classification: Likely pathogenic. Last evaluated: 2024-05-31. Review status: criteria provided, single submitter. Criteria: ACMG Guidelines, 2015. Collection method: clinical testing. Allele origin: germline. Observed: 1 variant allele.
Comment: PM2, PVS1

Fulgent Genetics
Classification: Likely pathogenic for Basal laminar drusen; Hemolytic uremic syndrome, atypical, susceptibility to, 1; Factor H deficiency; Age related macular degeneration 4. Last evaluated: 2024-03-05. Review status: criteria provided, single submitter. Criteria: ACMG Guidelines, 2015. Collection method: clinical testing. Allele origin: germline.